The following is an entry in ClinVar:

NM_001271.4(CHD2):c.1282G>C (p.Glu428Gln)

Gene: CHD2 (chromodomain helicase DNA binding protein 2; plus strand). Cytogenetic location: 15q26.1.
Variant type: single nucleotide variant.
Coding change: c.1282G>C on transcript NM_001271.4 (MANE Select); coding-DNA position 1282, G replaced by C.
Protein change: p.Glu428Gln; replaces glutamic acid 428 with glutamine.
Molecular consequence: missense variant.
Genome position (GRCh38, 1-based): chr15:92,946,121, G>C. VCF-style: chr15-92946121-G-C. GRCh37 (hg19) VCF-style: chr15-93489351-G-C.
Other names: c.1282G>C, p.Glu428Gln (NM_001042572.3); short protein forms E428Q.
Identifiers: ClinVar variation 2705056 (VCV002705056.3), dbSNP rs1223270189, ClinGen allele CA393903779.

ClinVar aggregate classification (germline): Uncertain significance (1 of 4 stars; one submission).

Conditions:
Developmental and epileptic encephalopathy 94 (DEE94). Also called: CHD2-Related Neurodevelopmental Disorders; Epileptic encephalopathy, childhood-onset. Identifiers: Orphanet 1942, Orphanet 2382, MedGen C3809278, MONDO:0014150, OMIM 615369.

Allele frequency attached by ClinVar (database versions not stated): gnomAD exomes below 0.00001.
gnomAD v4.1: 1 of 1,613,200 alleles (0.000062%); highest among the groups gnomAD compares: Admixed American, 0.0017%; no homozygotes.

Submission:

Labcorp Genetics (formerly Invitae), Labcorp
Classification: Uncertain significance for Developmental and epileptic encephalopathy 94. Last evaluated: 2023-12-23. Review status: criteria provided, single submitter. Criteria: Invitae Variant Classification Sherloc (09022015). Collection method: clinical testing. Allele origin: germline.
Comment: This sequence change replaces glutamic acid, which is acidic and polar, with glutamine, which is neutral and polar, at codon 428 of the CHD2 protein (p.Glu428Gln). This variant is present in population databases (no rsID available, gnomAD 0.003%). This variant has not been reported in the literature in individuals affected with CHD2-related conditions. Advanced modeling of protein sequence and biophysical properties (such as structural, functional, and spatial information, amino acid conservation, physicochemical variation, residue mobility, and thermodynamic stability) performed at Invitae indicates that this missense variant is not expected to disrupt CHD2 protein function with a negative predictive value of 95%. In summary, the available evidence is currently insufficient to determine the role of this variant in disease. Therefore, it has been classified as a Variant of Uncertain Significance.